The following is an entry in ClinVar:

NM_207034.3(EDN3):c.57C>A (p.Phe19Leu)

Gene: EDN3 (endothelin 3; plus strand). Cytogenetic location: 20q13.32.
Variant type: single nucleotide variant.
Coding change: c.57C>A on transcript NM_207034.3 (MANE Select); coding-DNA position 57, C replaced by A.
Protein change: p.Phe19Leu; replaces phenylalanine 19 with leucine.
Molecular consequence: missense variant.
Genome position (GRCh38, 1-based): chr20:59,301,414, C>A. VCF-style: chr20-59301414-C-A. GRCh37 (hg19) VCF-style: chr20-57876469-C-A.
Other names: c.57C>A, p.Phe19Leu (NM_001302455.2, NM_001302456.2, NM_001424361.1 and 4 more transcripts); short protein forms F19L.
Identifiers: ClinVar variation 4980202 (VCV004980202.1).
Genomic context (GRCh38, chr20:59,301,414, plus strand): 5'-GGGTGTTGAGGGGTCTGCACACTCAGCTTAGGAGCCCCTCAATCTGCCTTCTGCAGGATT[C>A]GTGCCTTGCTCCCAGTCTGGGGATGCTGGCAGGCGCGGCGTGTCCCAGGCCCCCACTGCA-3'
Protein context (NP_996917.1, residues 9-29): FGLTVTSAAG[Phe19Leu]VPCSQSGDAG

ClinVar aggregate classification (germline): Uncertain significance (1 of 4 stars; one submission).

Conditions:
EDN3-related disorder. Also called: EDN3-related condition.

gnomAD v4.1: 2 of 1,610,120 alleles (0.00012%); highest among the groups gnomAD compares: Admixed American, 0.0033%; no homozygotes.

Submission:

PreventionGenetics, part of Exact Sciences
Classification: Uncertain significance for EDN3-related condition. Last evaluated: 2025-01-22. Review status: criteria provided, single submitter. Criteria: ACMG Guidelines, 2015. Collection method: clinical testing. Allele origin: germline.
Comment: The EDN3 c.57C>A variant is predicted to result in the amino acid substitution p.Phe19Leu. To our knowledge, this variant has not been reported in the literature. This variant is reported in 0.0029% of alleles in individuals of Latino descent in gnomAD. At this time, the clinical significance of this variant is uncertain due to the absence of conclusive functional and genetic evidence.